The following is an entry in ClinVar:

NM_033004.4(NLRP1):c.2936C>T (p.Pro979Leu)

Gene: NLRP1 (NLR family pyrin domain containing 1; minus strand). Cytogenetic location: 17p13.2.
Variant type: single nucleotide variant.
Coding change: c.2936C>T on transcript NM_033004.4 (MANE Select); coding-DNA position 2936, C replaced by T.
Protein change: p.Pro979Leu; replaces proline 979 with leucine.
Molecular consequence: missense variant. On other transcripts: intron variant (2).
Genome position (GRCh38, 1-based): chr17:5,536,875, G>A on the plus strand (C>T on the coding strand, the complement: NLRP1 is on the minus strand). VCF-style: chr17-5536875-G-A. GRCh37 (hg19) VCF-style: chr17-5440195-G-A.
Other names: c.2936C>T, p.Pro979Leu (NM_014922.5, NM_001033053.3); c.2870+2540C>T (NM_033007.4, NM_033006.4); short protein forms P979L.
Identifiers: ClinVar variation 2865072 (VCV002865072.3), dbSNP rs201629736, ClinGen allele CA287252435.

ClinVar aggregate classification (germline): Uncertain significance (1 of 4 stars; one submission).

Submission:

Labcorp Genetics (formerly Invitae), Labcorp
Classification: Uncertain significance. Last evaluated: 2023-05-16. Review status: criteria provided, single submitter. Criteria: Invitae Variant Classification Sherloc (09022015). Collection method: clinical testing. Allele origin: germline.
Comment: This sequence change replaces proline, which is neutral and non-polar, with leucine, which is neutral and non-polar, at codon 979 of the NLRP1 protein (p.Pro979Leu). This variant is not present in population databases (gnomAD no frequency). This variant has not been reported in the literature in individuals affected with NLRP1-related conditions. An algorithm developed to predict the effect of missense changes on protein structure and function (PolyPhen-2) suggests that this variant is likely to be tolerated. In summary, the available evidence is currently insufficient to determine the role of this variant in disease. Therefore, it has been classified as a Variant of Uncertain Significance.